The following is an entry in ClinVar:

ClinVar aggregate classification (germline): Uncertain significance (1 of 4 stars; one submission).

Submission:

Labcorp Genetics (formerly Invitae), Labcorp
Classification: Uncertain significance. Last evaluated: 2023-01-01. Review status: criteria provided, single submitter. Criteria: Invitae Variant Classification Sherloc (09022015). Collection method: clinical testing. Allele origin: germline.
Comment: This sequence change replaces lysine, which is basic and polar, with asparagine, which is neutral and polar, at codon 1106 of the ABCA4 protein (p.Lys1106Asn). This variant is not present in population databases (gnomAD no frequency). This variant has not been reported in the literature in individuals affected with ABCA4-related conditions. Advanced modeling of protein sequence and biophysical properties (such as structural, functional, and spatial information, amino acid conservation, physicochemical variation, residue mobility, and thermodynamic stability) performed at Invitae indicates that this missense variant is expected to disrupt ABCA4 protein function. In summary, the available evidence is currently insufficient to determine the role of this variant in disease. Therefore, it has been classified as a Variant of Uncertain Significance.

NM_000350.3(ABCA4):c.3318G>T (p.Lys1106Asn)

Gene: ABCA4 (ATP binding cassette subfamily A member 4; minus strand). Cytogenetic location: 1p22.1.
Variant type: single nucleotide variant.
Coding change: c.3318G>T on transcript NM_000350.3 (MANE Select); coding-DNA position 3318, G replaced by T.
Protein change: p.Lys1106Asn; replaces lysine 1106 with asparagine.
Molecular consequence: missense variant.
Genome position (GRCh38, 1-based): chr1:94,042,771, C>A on the plus strand (G>T on the coding strand, the complement: ABCA4 is on the minus strand). VCF-style: chr1-94042771-C-A. GRCh37 (hg19) VCF-style: chr1-94508327-C-A.
Other names: c.3096G>T, p.Lys1032Asn (NM_001425324.1); short protein forms K1032N, K1106N.
Identifiers: ClinVar variation 2825879 (VCV002825879.3), dbSNP rs756731889, ClinGen allele CA341291895.